The following is an entry in ClinVar:

NM_205768.3(ZBTB18):c.400del (p.Ala134fs)

Gene: ZBTB18 (zinc finger and BTB domain containing 18; plus strand). Cytogenetic location: 1q44.
Variant type: Deletion.
Coding change: c.400del on transcript NM_205768.3 (MANE Select); coding-DNA position 400, one base deleted (G; older notation c.400delG).
Protein change: p.Ala134fs; shifts the reading frame from alanine 134.
Molecular consequence: frameshift variant.
Genome position (GRCh38, 1-based): chr1:244,054,174, G deleted; the last of 2 consecutive G bases (chr1:244,054,173-244,054,174); deleting either gives the same sequence. VCF-style (leftmost placement, unchanged base first): chr1-244054172-AG-A. GRCh37 (hg19) VCF-style: chr1-244217474-AG-A.
Other names: c.373del, p.Ala125fs (NM_001278196.2, NM_006352.5); c.400del, p.Ala134fs (NM_001421566.1); short protein forms A125fs, A134fs.
Identifiers: ClinVar variation 3648375 (VCV003648375.2).

ClinVar aggregate classification (germline): Pathogenic (1 of 4 stars; one submission).

Submission:

Labcorp Genetics (formerly Invitae), Labcorp
Classification: Pathogenic. Last evaluated: 2024-04-01. Review status: criteria provided, single submitter. Criteria: Invitae Variant Classification Sherloc (09022015). Collection method: clinical testing. Allele origin: germline.
Comment: This sequence change creates a premature translational stop signal (p.Ala134Glnfs*27) in the ZBTB18 gene. While this is not anticipated to result in nonsense mediated decay, it is expected to disrupt the last 398 amino acid(s) of the ZBTB18 protein. This variant is not present in population databases (gnomAD no frequency). This variant has not been reported in the literature in individuals affected with ZBTB18-related conditions. This variant disrupts a region of the ZBTB18 protein in which other variant(s) (p.His469Arg) have been determined to be pathogenic (Invitae). This suggests that this is a clinically significant region of the protein, and that variants that disrupt it are likely to be disease-causing. For these reasons, this variant has been classified as Pathogenic.